The following is an entry in ClinVar:

NM_177924.5(ASAH1):c.721C>G (p.Leu241Val)

Gene: ASAH1 (N-acylsphingosine amidohydrolase 1; minus strand). Cytogenetic location: 8p22.
Variant type: single nucleotide variant.
Coding change: c.721C>G on transcript NM_177924.5 (MANE Select); coding-DNA position 721, C replaced by G.
Protein change: p.Leu241Val; replaces leucine 241 with valine.
Molecular consequence: missense variant.
Genome position (GRCh38, 1-based): chr8:18,061,441, G>C on the plus strand (C>G on the coding strand, the complement: ASAH1 is on the minus strand). VCF-style: chr8-18061441-G-C. GRCh37 (hg19) VCF-style: chr8-17918950-G-C.
Other names: c.703C>G, p.Leu235Val (NM_001127505.3); c.526C>G, p.Leu176Val (NM_001363743.2); c.769C>G, p.Leu257Val (NM_004315.6); short protein forms L241V, L257V, L235V, L176V.
Identifiers: ClinVar variation 3666059 (VCV003666059.2).
Genomic context (GRCh38, chr8:18,061,441, plus strand): 5'-TGCTATTTTCCAGAACTGTTCTAGTGAGGAACCCTATCCACATGACATCTTTCTTTCCCA[G>C]AATCCATTCTAGAATACCTGGAAGAGATGAACACAATGTCAGGAACCGGAAGAGGTGACA-3'
Protein context (NP_808592.2, residues 231-251): GGYLGILEWI[Leu241Val]GKKDVMWIGF

ClinVar aggregate classification (germline): Uncertain significance (1 of 4 stars; one submission).

gnomAD v4.1: 1 of 1,612,538 alleles (0.000062%); highest among the groups gnomAD compares: Non-Finnish European, 0.000085%; no homozygotes.

Submission:

Labcorp Genetics (formerly Invitae), Labcorp
Classification: Uncertain significance. Last evaluated: 2024-11-05. Review status: criteria provided, single submitter. Criteria: Invitae Variant Classification Sherloc (09022015). Collection method: clinical testing. Allele origin: germline.
Comment: This sequence change replaces leucine, which is neutral and non-polar, with valine, which is neutral and non-polar, at codon 241 of the ASAH1 protein (p.Leu241Val). This variant is not present in population databases (gnomAD no frequency). This variant has not been reported in the literature in individuals affected with ASAH1-related conditions. Invitae Evidence Modeling of protein sequence and biophysical properties (such as structural, functional, and spatial information, amino acid conservation, physicochemical variation, residue mobility, and thermodynamic stability) indicates that this missense variant is not expected to disrupt ASAH1 protein function with a negative predictive value of 80%. In summary, the available evidence is currently insufficient to determine the role of this variant in disease. Therefore, it has been classified as a Variant of Uncertain Significance.